The following is an entry in ClinVar:

ClinVar aggregate classification (germline): Uncertain significance (1 of 4 stars; one submission).

Conditions:
Conotruncal heart malformations (CTHM). Also called: Conotruncal heart malformations, variable. Identifiers: Orphanet 2445, Orphanet 3384, Orphanet 3426, MedGen C1857586, MONDO:0016581, OMIM 217095.

Allele frequency attached by ClinVar (database versions not stated): gnomAD 0.00003; gnomAD exomes 0.00006; TOPMed 0.00008.
gnomAD v4.1: 89 of 1,539,368 alleles (0.0058%); highest among the groups gnomAD compares: Admixed American, 0.02%; no homozygotes.

Submission:

Labcorp Genetics (formerly Invitae), Labcorp
Classification: Uncertain significance for Conotruncal heart malformations. Last evaluated: 2025-12-25. Review status: criteria provided, single submitter. Criteria: Invitae Variant Classification Sherloc (09022015). Collection method: clinical testing. Allele origin: germline.
Comment: This sequence change replaces alanine, which is neutral and non-polar, with serine, which is neutral and polar, at codon 276 of the NKX2-6 protein (p.Ala276Ser). This variant is present in population databases (no rsID available, gnomAD 0.02%). This variant has not been reported in the literature in individuals affected with NKX2-6-related conditions. ClinVar contains an entry for this variant (Variation ID: 534673). An algorithm developed to predict the effect of missense changes on protein structure and function outputs the following: PolyPhen-2: "Benign". The serine amino acid residue is found in multiple mammalian species, which suggests that this missense change does not adversely affect protein function. In summary, the available evidence is currently insufficient to determine the role of this variant in disease. Therefore, it has been classified as a Variant of Uncertain Significance.

NM_001136271.3(NKX2-6):c.826G>T (p.Ala276Ser)

Gene: NKX2-6 (NK2 homeobox 6; minus strand). Cytogenetic location: 8p21.2.
Variant type: single nucleotide variant.
Coding change: c.826G>T on transcript NM_001136271.3 (MANE Select); coding-DNA position 826, G replaced by T.
Protein change: p.Ala276Ser; replaces alanine 276 with serine.
Molecular consequence: missense variant.
Genome position (GRCh38, 1-based): chr8:23,702,531, C>A on the plus strand (G>T on the coding strand, the complement: NKX2-6 is on the minus strand). VCF-style: chr8-23702531-C-A. GRCh37 (hg19) VCF-style: chr8-23560044-C-A.
Other names: short protein forms A276S.
Identifiers: ClinVar variation 534673 (VCV000534673.7), dbSNP rs959054178, ClinGen allele CA174010884.